The following is an entry in ClinVar:

ClinVar aggregate classification (germline): Uncertain significance (1 of 4 stars; one submission).

Allele frequency attached by ClinVar (database versions not stated): gnomAD 0.00015.
gnomAD v4.1: 37 of 1,515,354 alleles (0.0024%); highest among the groups gnomAD compares: African/African-American, 0.049%; no homozygotes.

Submission:

Labcorp Genetics (formerly Invitae), Labcorp
Classification: Uncertain significance. Last evaluated: 2025-11-29. Review status: criteria provided, single submitter. Criteria: Invitae Variant Classification Sherloc (09022015). Collection method: clinical testing. Allele origin: germline.
Comment: This sequence change replaces arginine, which is basic and polar, with glycine, which is neutral and non-polar, at codon 65 of the ENPP1 protein (p.Arg65Gly). This variant is present in population databases (no rsID available, gnomAD 0.04%). This variant has not been reported in the literature in individuals affected with ENPP1-related conditions. ClinVar contains an entry for this variant (Variation ID: 3020075). An algorithm developed to predict the effect of missense changes on protein structure and function (PolyPhen-2) suggests that this variant is likely to be tolerated. In summary, the available evidence is currently insufficient to determine the role of this variant in disease. Therefore, it has been classified as a Variant of Uncertain Significance.

NM_006208.3(ENPP1):c.193C>G (p.Arg65Gly)

Gene: ENPP1 (ectonucleotide pyrophosphatase/phosphodiesterase 1; plus strand). Cytogenetic location: 6q23.2.
Variant type: single nucleotide variant.
Coding change: c.193C>G on transcript NM_006208.3 (MANE Select); coding-DNA position 193, C replaced by G.
Protein change: p.Arg65Gly; replaces arginine 65 with glycine.
Molecular consequence: missense variant.
Genome position (GRCh38, 1-based): chr6:131,808,228, C>G. VCF-style: chr6-131808228-C-G. GRCh37 (hg19) VCF-style: chr6-132129368-C-G.
Other names: short protein forms R65G.
Identifiers: ClinVar variation 3020075 (VCV003020075.3), dbSNP rs1007288220, ClinGen allele CA147948106.